The following is an entry in ClinVar:

NM_019842.4(KCNQ5):c.1590T>G (p.Phe530Leu)

Gene: KCNQ5 (potassium voltage-gated channel subfamily Q member 5; plus strand). Cytogenetic location: 6q13.
Variant type: single nucleotide variant.
Coding change: c.1590T>G on transcript NM_019842.4 (MANE Select); coding-DNA position 1590, T replaced by G.
Protein change: p.Phe530Leu; replaces phenylalanine 530 with leucine.
Molecular consequence: missense variant.
Genome position (GRCh38, 1-based): chr6:73,190,585, T>G. VCF-style: chr6-73190585-T-G. GRCh37 (hg19) VCF-style: chr6-73900308-T-G.
Other names: c.1563T>G, p.Phe521Leu (NM_001160130.2); c.1620T>G, p.Phe540Leu (NM_001160132.2); c.1647T>G, p.Phe549Leu (NM_001160133.2); c.1260T>G, p.Phe420Leu (NM_001160134.2); short protein forms F521L, F530L, F540L, F549L, F420L.
Identifiers: ClinVar variation 4712160 (VCV004712160.1).

ClinVar aggregate classification (germline): Uncertain significance (1 of 4 stars; one submission).

Submission:

Labcorp Genetics (formerly Invitae), Labcorp
Classification: Uncertain significance. Last evaluated: 2025-06-29. Review status: criteria provided, single submitter. Criteria: Invitae Variant Classification Sherloc (09022015). Collection method: clinical testing. Allele origin: germline.
Comment: This sequence change replaces phenylalanine, which is neutral and non-polar, with leucine, which is neutral and non-polar, at codon 549 of the KCNQ5 protein (p.Phe549Leu). This variant is not present in population databases (gnomAD no frequency). This variant has not been reported in the literature in individuals affected with KCNQ5-related conditions. Invitae Evidence Modeling of protein sequence and biophysical properties (such as structural, functional, and spatial information, amino acid conservation, physicochemical variation, residue mobility, and thermodynamic stability) indicates that this missense variant is not expected to disrupt KCNQ5 protein function with a negative predictive value of 80%. In summary, the available evidence is currently insufficient to determine the role of this variant in disease. Therefore, it has been classified as a Variant of Uncertain Significance.